The following is an entry in ClinVar:

NM_000548.5(TSC2):c.5344G>A (p.Ala1782Thr)

Gene: TSC2 (TSC complex subunit 2; plus strand). Cytogenetic location: 16p13.3.
Variant type: single nucleotide variant.
Coding change: c.5344G>A on transcript NM_000548.5 (MANE Select); coding-DNA position 5344, G replaced by A.
Protein change: p.Ala1782Thr; replaces alanine 1782 with threonine.
Molecular consequence: missense variant.
Genome position (GRCh38, 1-based): chr16:2,088,530, G>A. VCF-style: chr16-2088530-G-A. GRCh37 (hg19) VCF-style: chr16-2138531-G-A.
Other names: c.5203G>A, p.Ala1735Thr (NM_001370405.1); c.5215G>A, p.Ala1739Thr (NM_021055.3); c.5143G>A, p.Ala1715Thr (NM_001077183.3); c.5275G>A, p.Ala1759Thr (NM_001114382.3); c.5035G>A, p.Ala1679Thr (NM_001318827.2); c.4999G>A, p.Ala1667Thr (NM_001318829.2); c.4612G>A, p.Ala1538Thr (NM_001318831.2); c.5176G>A, p.Ala1726Thr (NM_001318832.2); and 3 more; short protein forms A1667T, A1759T, A1716T, A1735T, A1738T, A1679T, A1739T, A1782T.
Identifiers: ClinVar variation 1478025 (VCV001478025.9), dbSNP rs1405712076, ClinGen allele CA394315690.

ClinVar aggregate classification (germline): Uncertain significance. Review status: criteria provided, multiple submitters, no conflicts (2 of 4 stars). 2 submissions from 2 submitters: Uncertain significance (2). Last evaluated 2023-04-05.

Conditions:
Hereditary cancer-predisposing syndrome. Also called: Hereditary neoplastic syndrome; Tumor predisposition; Neoplastic Syndromes, Hereditary; Hereditary Cancer Syndrome. Identifiers: Orphanet 140162, MedGen C0027672, MeSH D009386, MONDO:0015356.
Tuberous sclerosis 2 (TSC2). Identifiers: Orphanet 805, MedGen C1860707, MONDO:0013199, OMIM 613254.

Submissions (2):

Ambry Genetics
Classification: Uncertain significance for Hereditary cancer-predisposing syndrome. Last evaluated: 2023-04-05. Review status: criteria provided, single submitter. Criteria: Ambry Variant Classification Scheme 2023. Collection method: clinical testing. Allele origin: germline.
Comment: The p.A1782T variant (also known as c.5344G>A), located in coding exon 41 of the TSC2 gene, results from a G to A substitution at nucleotide position 5344. The alanine at codon 1782 is replaced by threonine, an amino acid with similar properties. This amino acid position is conserved. In addition, the in silico prediction for this alteration is inconclusive. Since supporting evidence is limited at this time, the clinical significance of this alteration remains unclear.

Labcorp Genetics (formerly Invitae), Labcorp
Classification: Uncertain significance for Tuberous sclerosis 2. Last evaluated: 2021-02-05. Review status: criteria provided, single submitter. Criteria: Invitae Variant Classification Sherloc (09022015). Collection method: clinical testing. Allele origin: germline.
Comment: This sequence change replaces alanine with threonine at codon 1782 of the TSC2 protein (p.Ala1782Thr). The alanine residue is weakly conserved and there is a small physicochemical difference between alanine and threonine. This variant is not present in population databases (ExAC no frequency). This variant has not been reported in the literature in individuals with TSC2-related conditions. Advanced modeling of protein sequence and biophysical properties (such as structural, functional, and spatial information, amino acid conservation, physicochemical variation, residue mobility, and thermodynamic stability) performed at Invitae indicates that this missense variant is not expected to disrupt TSC2 protein function. In summary, the available evidence is currently insufficient to determine the role of this variant in disease. Therefore, it has been classified as a Variant of Uncertain Significance.